The following is an entry in ClinVar:

ClinVar aggregate classification (germline): Uncertain significance (1 of 4 stars; one submission).

Submission:

Labcorp Genetics (formerly Invitae), Labcorp
Classification: Uncertain significance. Last evaluated: 2022-11-23. Review status: criteria provided, single submitter. Criteria: Invitae Variant Classification Sherloc (09022015). Collection method: clinical testing. Allele origin: germline.
Comment: This variant is not present in population databases (gnomAD no frequency). In summary, the available evidence is currently insufficient to determine the role of this variant in disease. Therefore, it has been classified as a Variant of Uncertain Significance. This variant disrupts the p.Pro4741 amino acid residue in USH2A. Other variant(s) that disrupt this residue have been determined to be pathogenic (PMID: 30029497, 32675063; Invitae). This suggests that this residue is clinically significant, and that variants that disrupt this residue are likely to be disease-causing. Advanced modeling of protein sequence and biophysical properties (such as structural, functional, and spatial information, amino acid conservation, physicochemical variation, residue mobility, and thermodynamic stability) performed at Invitae indicates that this missense variant is expected to disrupt USH2A protein function. This missense change has been observed in individual(s) with retinitis pigmentosa (Invitae). This sequence change replaces proline, which is neutral and non-polar, with serine, which is neutral and polar, at codon 4741 of the USH2A protein (p.Pro4741Ser).

Literature cited by the submitters: PubMed 30029497; PubMed 32675063.

NM_206933.4(USH2A):c.14221C>T (p.Pro4741Ser)

Gene: USH2A (usherin; minus strand). Cytogenetic location: 1q41.
Variant type: single nucleotide variant.
Coding change: c.14221C>T on transcript NM_206933.4 (MANE Select); coding-DNA position 14221, C replaced by T.
Protein change: p.Pro4741Ser; replaces proline 4741 with serine.
Molecular consequence: missense variant.
Genome position (GRCh38, 1-based): chr1:215,650,714, G>A on the plus strand (C>T on the coding strand, the complement: USH2A is on the minus strand). VCF-style: chr1-215650714-G-A. GRCh37 (hg19) VCF-style: chr1-215824056-G-A.
Other names: short protein forms P4741S.
Identifiers: ClinVar variation 2815619 (VCV002815619.3), dbSNP rs1558037975, ClinGen allele CA344835631.
Genomic context (GRCh38, chr1:215,650,714, plus strand): 5'-GCTTCCCAGGGGCACTGATGTTGACCACTGCTTGGGTAGAAGAGATCACATGGAACGTGG[G>A]GGCTCTGAGACCTTCTGGTGGGGCTGGCCCGGTTCTGCACCATGTCCAGCTACTGGGGGC-3'
Protein context (NP_996816.3, residues 4731-4751): GPAPPEGLRA[Pro4741Ser]TFHVISSTQA